The following is an entry in ClinVar:

NM_015175.3(NBEAL2):c.427G>T (p.Glu143Ter)

Gene: NBEAL2 (neurobeachin like 2; plus strand). Cytogenetic location: 3p21.31.
Variant type: single nucleotide variant.
Coding change: c.427G>T on transcript NM_015175.3 (MANE Select); coding-DNA position 427, G replaced by T.
Protein change: p.Glu143Ter; replaces glutamic acid 143 with a stop codon.
Molecular consequence: nonsense.
Genome position (GRCh38, 1-based): chr3:46,989,335, G>T. VCF-style: chr3-46989335-G-T. GRCh37 (hg19) VCF-style: chr3-47030825-G-T.
Other names: p.Glu143*; c.406G>T, p.Glu136Ter (NM_001365116.2); short protein forms E136*, E143*.
Identifiers: ClinVar variation 3380966 (VCV003380966.1).
Genomic context (GRCh38, chr3:46,989,335, plus strand): 5'-CCACCCCAGGGCCGAGGCACGCAGTTGGAGAATGTGGCCCTACATGCTCTGCTTCTCTGC[G>T]AGGGCCTCTTTGACCCTTACCAAACCTGGCGGCGCCAGCGCAGTGGGTGAGACCCAGCCC-3'

ClinVar aggregate classification (germline): Likely pathogenic (1 of 4 stars; one submission).

gnomAD v4.1: 1 of 1,591,842 alleles (0.000063%); highest among the groups gnomAD compares: Non-Finnish European, 0.000086%; no homozygotes.

Submission:

Mayo Clinic Laboratories, Mayo Clinic
Classification: Likely pathogenic. Last evaluated: 2024-04-17. Review status: criteria provided, single submitter. Criteria: ACMG Guidelines, 2015. Collection method: clinical testing. Allele origin: germline. Observed: 1 variant allele.
Comment: PM2_moderate, PVS1